The following is an entry in ClinVar:

NM_003784.4(SERPINB7):c.418C>T (p.Arg140Cys)

Gene: SERPINB7 (serpin family B member 7; plus strand). Cytogenetic location: 18q21.33.
Variant type: single nucleotide variant.
Coding change: c.418C>T on transcript NM_003784.4 (MANE Select); coding-DNA position 418, C replaced by T.
Protein change: p.Arg140Cys; replaces arginine 140 with cysteine.
Molecular consequence: missense variant.
Genome position (GRCh38, 1-based): chr18:63,796,347, C>T. VCF-style: chr18-63796347-C-T. GRCh37 (hg19) VCF-style: chr18-61463581-C-T.
Other names: c.418C>T, p.Arg140Cys (NM_001040147.3, NM_001261830.2); c.367C>T, p.Arg123Cys (NM_001261831.2); short protein forms R123C, R140C.
Identifiers: ClinVar variation 2069410 (VCV002069410.5), dbSNP rs371023956, ClinGen allele CA8989406.
Genomic context (GRCh38, chr18:63,796,347, plus strand): 5'-AAATTATACGATGCCAAAGTGGAGCGAGTTGACTTTACGAATCATTTAGAAGACACTAGA[C>T]GTAATATTAATAAGTGGGTTGAAAATGAAACACATGGTGAGTATTGAAATACCCTATTTT-3'
Protein context (NP_003775.1, residues 130-150): DFTNHLEDTR[Arg140Cys]NINKWVENET

ClinVar aggregate classification (germline): Uncertain significance. Review status: criteria provided, multiple submitters, no conflicts (2 of 4 stars). 2 submissions from 2 submitters: Uncertain significance (2). Last evaluated 2024-04-22.

Conditions:
Inborn genetic diseases. Identifiers: MedGen C0950123, MeSH D030342.

Allele frequency attached by ClinVar (database versions not stated): gnomAD 0.00005; ESP Exome Variant Server 0.00008; ExAC 0.00010; 1000 Genomes Project 30x 0.00016; TOPMed 0.00005; 1000 Genomes Project 0.00020.
gnomAD v4.1: 73 of 1,608,724 alleles (0.0045%); highest among the groups gnomAD compares: Middle Eastern, 0.033%; no homozygotes.

Submissions (2):

Labcorp Genetics (formerly Invitae), Labcorp
Classification: Uncertain significance. Last evaluated: 2024-04-22. Review status: criteria provided, single submitter. Criteria: Invitae Variant Classification Sherloc (09022015). Collection method: clinical testing. Allele origin: germline.
Comment: This sequence change replaces arginine, which is basic and polar, with cysteine, which is neutral and slightly polar, at codon 140 of the SERPINB7 protein (p.Arg140Cys). This variant is present in population databases (rs371023956, gnomAD 0.01%). This variant has not been reported in the literature in individuals affected with SERPINB7-related conditions. ClinVar contains an entry for this variant (Variation ID: 2069410). An algorithm developed to predict the effect of missense changes on protein structure and function (PolyPhen-2) suggests that this variant is likely to be tolerated. In summary, the available evidence is currently insufficient to determine the role of this variant in disease. Therefore, it has been classified as a Variant of Uncertain Significance.

Ambry Genetics
Classification: Uncertain significance for Inborn genetic diseases. Last evaluated: 2022-08-08. Review status: criteria provided, single submitter. Criteria: Ambry Variant Classification Scheme 2023. Collection method: clinical testing. Allele origin: germline.